The following is an entry in ClinVar:

ClinVar aggregate classification (germline): Conflicting classifications of pathogenicity. Review status: criteria provided, conflicting classifications (1 of 4 stars). 3 submissions from 3 submitters: Likely pathogenic (2); Uncertain significance (1). Last evaluated 2025-04-07.

Conditions:
Sialuria. Also called: Sialic Acid Storage Disease; SIALURIA, FRENCH TYPE. Identifiers: Orphanet 3166, MedGen C0342853, MONDO:0010028, OMIM 269921.
GNE myopathy (NM). Also called: INCLUSION BODY MYOPATHY, HEREDITARY, AUTOSOMAL RECESSIVE; INCLUSION BODY MYOPATHY 2, AUTOSOMAL RECESSIVE; IBM 2; Inclusion body myopathy autosomal recessive; Inclusion body myopathy quadriceps sparing; MYOPATHY, DISTAL, WITH OR WITHOUT RIMMED VACUOLES. Identifiers: Orphanet 602, MedGen C1853926, MONDO:0011603, OMIM 605820.

Allele frequency attached by ClinVar (database versions not stated): ExAC 0.00001; gnomAD 0.00001; gnomAD exomes 0.00001; 1000 Genomes Project 30x 0.00016; 1000 Genomes Project 0.00020.
gnomAD v4.1: 13 of 1,614,116 alleles (0.00081%); highest among the groups gnomAD compares: Admixed American, 0.0017%; no homozygotes.

Submissions (3):

Natera, Inc.
Classification: Likely pathogenic for Nonaka myopathy. Last evaluated: 2025-04-07. Review status: criteria provided, single submitter. Criteria: Natera Variant Classification Schema (03/2026). Collection method: clinical testing. Allele origin: germline.
Comment: The c.2189C>T variant in GNE is a missense variant predicted to cause substitution of serine to leucine at amino acid 730. This variant is rare in the general population with a frequency below the threshold expected for the associated phenotype(s). This variant has been observed in one or more individuals affected with the associated recessive disease, as either homozygous or compound heterozygous with a second variant (PMID: 33250842, 28320138, 23437777). Computational prediction algorithms indicate this variant is likely to affect gene or protein function. Given the available evidence, this variant is classified as Likely Pathogenic.

Labcorp Genetics (formerly Invitae), Labcorp
Classification: Likely pathogenic for Sialuria; GNE myopathy. Last evaluated: 2025-01-26. Review status: criteria provided, single submitter. Criteria: Invitae Variant Classification Sherloc (09022015). Collection method: clinical testing. Allele origin: germline.
Comment: This sequence change replaces serine, which is neutral and polar, with leucine, which is neutral and non-polar, at codon 730 of the GNE protein (p.Ser730Leu). This variant is present in population databases (rs552758282, gnomAD 0.007%). This missense change has been observed in individuals with autosomal recessive GNE-related myopathy (PMID: 23437777, 33250842). This variant is also known as p.Ser699Leu. ClinVar contains an entry for this variant (Variation ID: 632044). Invitae Evidence Modeling of protein sequence and biophysical properties (such as structural, functional, and spatial information, amino acid conservation, physicochemical variation, residue mobility, and thermodynamic stability) has been performed for this missense variant. However, the output from this modeling did not meet the statistical confidence thresholds required to predict the impact of this variant on GNE protein function. In summary, the currently available evidence indicates that the variant is pathogenic, but additional data are needed to prove that conclusively. Therefore, this variant has been classified as Likely Pathogenic.

Illumina Laboratory Services, Illumina
Classification: Uncertain significance for Sialuria. Last evaluated: 2017-08-21. Review status: criteria provided, single submitter. Criteria: ICSL Variant Classification Criteria 13 December 2019. Collection method: clinical testing. Allele origin: germline.

Literature cited by the submitters: PubMed 33250842 (cited by Natera, Inc. and Labcorp Genetics (formerly Invitae), Labcorp); PubMed 28320138 (cited by Natera, Inc.); PubMed 23437777 (cited by Natera, Inc. and Labcorp Genetics (formerly Invitae), Labcorp).

NM_005476.7(GNE):c.2096C>T (p.Ser699Leu)

Gene: GNE (glucosamine (UDP-N-acetyl)-2-epimerase/N-acetylmannosamine kinase; minus strand). Cytogenetic location: 9p13.3.
Variant type: single nucleotide variant.
Coding change: c.2096C>T on transcript NM_005476.7 (MANE Select); coding-DNA position 2096, C replaced by T.
Protein change: p.Ser699Leu; replaces serine 699 with leucine.
Molecular consequence: missense variant.
Genome position (GRCh38, 1-based): chr9:36,217,438, G>A on the plus strand (C>T on the coding strand, the complement: GNE is on the minus strand). VCF-style: chr9-36217438-G-A. GRCh37 (hg19) VCF-style: chr9-36217435-G-A.
Other names: c.2189C>T, p.Ser730Leu (NM_001128227.3); c.1874C>T, p.Ser625Leu (NM_001190383.3); c.1766C>T, p.Ser589Leu (NM_001190384.3); c.1919C>T, p.Ser640Leu (NM_001190388.2, NM_001374798.1); c.1943C>T, p.Ser648Leu (NM_001374797.1); c.2189C>T (NM_001128227.2); short protein forms S699L, S730L, S589L, S625L, S640L, S648L.
Identifiers: ClinVar variation 632044 (VCV000632044.13), dbSNP rs552758282, ClinGen allele CA5056350.
Genomic context (GRCh38, chr9:36,217,438, plus strand): 5'-CGTGTTGTGTAGTCCAGAACCATGCTGGCAGCACCCAGCAGGGCGGGGTCAACCAAATCC[G>A]AAACCACCACATCCACGTCCTGCACGGAGGACAAGGCCTGCTGGCGAATGACGTCTTTGA-3'
Protein context (NP_005467.1, residues 689-709): SSVQDVDVVV[Ser699Leu]DLVDPALLGA